The following is an entry in ClinVar:

ClinVar aggregate classification (germline): Pathogenic/Likely pathogenic. Review status: criteria provided, multiple submitters, no conflicts (2 of 4 stars). 6 submissions from 6 submitters: Pathogenic (4); Likely pathogenic (2). Last evaluated 2025-06-09.

Conditions:
Classic homocystinuria. Also called: HOMOCYSTINURIA WITH OR WITHOUT RESPONSE TO PYRIDOXINE; Homocystinuria due to Cystathionine Beta-Synthase Deficiency; Homocystinuria due to CBS deficiency; Cystathionine beta-synthase deficiency; CBS deficiency. Identifiers: Orphanet 394, MedGen C0751202, MONDO:0009352, OMIM 236200.
HYPERHOMOCYSTEINEMIA, THROMBOTIC, CBS-RELATED. Identifiers: MedGen C3150344, OMIM 236200.

Allele frequency attached by ClinVar (database versions not stated): ExAC 0.00001.

Submissions (6):

Myriad Genetics, Inc.
Classification: Likely pathogenic for Classic homocystinuria. Last evaluated: 2025-06-09. Review status: criteria provided, single submitter. Criteria: Myriad Autosomal Dominant, Autosomal Recessive and X-Linked Classification Criteria (2023). Collection method: clinical testing. Allele origin: unknown.
Comment: NM_000071.2(CBS):c.949A>G(R317G) is a missense variant classified as likely pathogenic in the context of homocystinuria, CBS-related. R317G has been observed in cases with relevant disease (PMID: 33616328, 30732165, 33844962, 32769498). Relevant functional assessments of this variant are not available in the literature. R317G has been observed in referenced population frequency databases. In summary, NM_000071.2(CBS):c.949A>G(R317G) is a missense variant that has been observed more frequently in cases with the relevant disease than in healthy populations. Please note: this variant was assessed in the context of healthy population screening.

Natera, Inc.
Classification: Pathogenic for Homocystinuria due to cystathionine beta-synthase deficiency. Last evaluated: 2025-05-10. Review status: criteria provided, single submitter. Criteria: Natera Variant Classification Schema (03/2026). Collection method: clinical testing. Allele origin: germline.
Comment: The c.949A>G variant in CBS is a missense variant predicted to cause substitution of arginine to glycine at amino acid 317. This variant is rare in the general population with a frequency below the threshold expected for the associated phenotype(s). This variant has been observed in one or more individuals affected with the associated recessive disease, as either homozygous or compound heterozygous with a second variant (PMID: 33616328, 30076350, 33844962, 38886735). Computational prediction algorithms indicate this variant is likely to affect gene or protein function. Given the available evidence, this variant is classified as Pathogenic.

Baylor Genetics
Classification: Pathogenic for Classic homocystinuria. Last evaluated: 2024-03-07. Review status: criteria provided, single submitter. Criteria: ACMG Guidelines, 2015. Collection method: clinical testing. Allele origin: unknown.

Labcorp Genetics (formerly Invitae), Labcorp
Classification: Pathogenic for HYPERHOMOCYSTEINEMIA, THROMBOTIC, CBS-RELATED. Last evaluated: 2023-12-14. Review status: criteria provided, single submitter. Criteria: Invitae Variant Classification Sherloc (09022015). Collection method: clinical testing. Allele origin: germline.
Comment: This sequence change replaces arginine, which is basic and polar, with glycine, which is neutral and non-polar, at codon 317 of the CBS protein (p.Arg317Gly). This variant is present in population databases (rs775432669, gnomAD 0.006%). This missense change has been observed in individual(s) with homocystinuria (PMID: 30076350, 30732165, 33616328). In at least one individual the data is consistent with being in trans (on the opposite chromosome) from a pathogenic variant. ClinVar contains an entry for this variant (Variation ID: 2152692). Advanced modeling of protein sequence and biophysical properties (such as structural, functional, and spatial information, amino acid conservation, physicochemical variation, residue mobility, and thermodynamic stability) performed at Invitae indicates that this missense variant is expected to disrupt CBS protein function with a positive predictive value of 95%. For these reasons, this variant has been classified as Pathogenic.

Center for Molecular Medicine, Children’s Hospital of Fudan University
Classification: Likely pathogenic for Classic homocystinuria. Last evaluated: 2023-06-05. Review status: criteria provided, single submitter. Criteria: ACMG Guidelines, 2015. Collection method: clinical testing. Allele origin: maternal. Affected: yes.

Juno Genomics, Hangzhou Juno Genomics, Inc
Classification: Pathogenic for Classic homocystinuria. Review status: criteria provided, single submitter. Criteria: ACMG Guidelines, 2015. Collection method: clinical testing. Allele origin: germline. Affected: yes.
Comment: Absent from controls (or at extremely low frequency if recessive) in Genome Aggregation Database, Exome Sequencing Project, 1000 Genomes Project, or Exome Aggregation Consortium.;Multiple lines of computational evidence support a deleterious effect on the gene or gene product (conservation, evolutionary, splicing impact, etc).;For recessive disorders, detected in trans with a pathogenic variant.;Patient's phenotype or family history is highly specific for a disease with a single genetic etiology.

Literature cited by the submitters: PubMed 30732165 (cited by Myriad Genetics, Inc. and Labcorp Genetics (formerly Invitae), Labcorp); PubMed 32769498 (cited by Myriad Genetics, Inc.); PubMed 33616328 (cited by 3 submitters); PubMed 33844962 (cited by Myriad Genetics, Inc. and Natera, Inc.); PubMed 30076350 (cited by Natera, Inc. and Labcorp Genetics (formerly Invitae), Labcorp); PubMed 38886735 (cited by Natera, Inc.).

NM_000071.3(CBS):c.949A>G (p.Arg317Gly)

Gene: CBS (cystathionine beta-synthase; minus strand). Cytogenetic location: 21q22.3.
Variant type: single nucleotide variant.
Coding change: c.949A>G on transcript NM_000071.3 (MANE Select); coding-DNA position 949, A replaced by G.
Protein change: p.Arg317Gly; replaces arginine 317 with glycine.
Molecular consequence: missense variant.
Genome position (GRCh38, 1-based): chr21:43,062,958, T>C on the plus strand (A>G on the coding strand, the complement: CBS is on the minus strand). VCF-style: chr21-43062958-T-C. GRCh37 (hg19) VCF-style: chr21-44483068-T-C.
Other names: c.949A>G, p.Arg317Gly (NM_001178008.3, NM_001178009.3, NM_001320298.2); c.634A>G, p.Arg212Gly (NM_001321072.1); short protein forms R317G, R212G.
Identifiers: ClinVar variation 2152692 (VCV002152692.11), dbSNP rs775432669, ClinGen allele CA321091261.